The following is an entry in ClinVar:

ClinVar aggregate classification (germline): Uncertain significance (1 of 4 stars; one submission).

Submission:

GeneDx
Classification: Uncertain significance. Last evaluated: 2019-12-30. Review status: criteria provided, single submitter. Criteria: GeneDx Variant Classification Process June 2021. Collection method: clinical testing. Allele origin: germline. Affected: yes.
Comment: Not observed in large population cohorts (Lek et al., 2016); In silico analysis, which includes protein predictors and evolutionary conservation, supports that this variant does not alter protein structure/function; Has not been previously published as pathogenic or benign to our knowledge

NM_001365536.1(SCN9A):c.4198C>A (p.Leu1400Ile)

Genes: SCN1A-AS1 (SCN1A and SCN9A antisense RNA 1; plus strand), SCN9A (sodium voltage-gated channel alpha subunit 9; minus strand). Cytogenetic location: 2q24.3.
Variant type: single nucleotide variant.
Coding change: c.4198C>A on transcript NM_001365536.1 (MANE Select); coding-DNA position 4198, C replaced by A.
Protein change: p.Leu1400Ile; replaces leucine 1400 with isoleucine.
Molecular consequence: missense variant.
Genome position (GRCh38, 1-based): chr2:166,228,699, G>T on the plus strand (C>A on the coding strand, the complement: SCN9A is on the minus strand). VCF-style: chr2-166228699-G-T. GRCh37 (hg19) VCF-style: chr2-167085209-G-T.
Other names: c.4165C>A, p.Leu1389Ile (NM_002977.4); short protein forms L1389I, L1400I.
Identifiers: ClinVar variation 1311600 (VCV001311600.2), dbSNP rs2106387233, ClinGen allele CA349063190.